The following is an entry in ClinVar:

ClinVar aggregate classification (germline): Uncertain significance. Review status: criteria provided, multiple submitters, no conflicts (2 of 4 stars). 2 submissions from 2 submitters: Uncertain significance (2). Last evaluated 2025-10-02.

Conditions:
Inborn genetic diseases. Identifiers: MedGen C0950123, MeSH D030342.
Baller-Gerold syndrome (BGS). Also called: CRANIOSYNOSTOSIS WITH RADIAL DEFECTS. Identifiers: Orphanet 1225, MedGen C0265308, MONDO:0009039, OMIM 218600.

Allele frequency attached by ClinVar (database versions not stated): gnomAD exomes below 0.00001; ExAC 0.00001.

Submissions (2):

Ambry Genetics
Classification: Uncertain significance for Inborn genetic diseases. Last evaluated: 2025-10-02. Review status: criteria provided, single submitter. Criteria: Ambry Variant Classification Scheme 2023. Collection method: clinical testing. Allele origin: germline.
Comment: The p.G790R variant (also known as c.2368G>A), located in coding exon 14 of the RECQL4 gene, results from a G to A substitution at nucleotide position 2368. The glycine at codon 790 is replaced by arginine, an amino acid with dissimilar properties. This amino acid position is conserved. Based on the available evidence, the clinical significance of this variant remains unclear.

Labcorp Genetics (formerly Invitae), Labcorp
Classification: Uncertain significance for Baller-Gerold syndrome. Last evaluated: 2021-12-14. Review status: criteria provided, single submitter. Criteria: Invitae Variant Classification Sherloc (09022015). Collection method: clinical testing. Allele origin: germline.
Comment: In summary, the available evidence is currently insufficient to determine the role of this variant in disease. Therefore, it has been classified as a Variant of Uncertain Significance. Experimental studies and prediction algorithms are not available or were not evaluated, and the functional significance of this variant is currently unknown. This variant has not been reported in the literature in individuals affected with RECQL4-related conditions. This variant is present in population databases (rs762402665, gnomAD 0.007%). This sequence change replaces glycine, which is neutral and non-polar, with arginine, which is basic and polar, at codon 790 of the RECQL4 protein (p.Gly790Arg).

NM_004260.4(RECQL4):c.2368G>A (p.Gly790Arg)

Gene: RECQL4 (RecQ like helicase 4; minus strand). Cytogenetic location: 8q24.3.
Variant type: single nucleotide variant.
Coding change: c.2368G>A on transcript NM_004260.4 (MANE Select); coding-DNA position 2368, G replaced by A.
Protein change: p.Gly790Arg; replaces glycine 790 with arginine.
Molecular consequence: missense variant.
Genome position (GRCh38, 1-based): chr8:144,513,313, C>T on the plus strand (G>A on the coding strand, the complement: RECQL4 is on the minus strand). VCF-style: chr8-144513313-C-T. GRCh37 (hg19) VCF-style: chr8-145738696-C-T.
Other names: c.1231G>A, p.Gly411Arg (NM_001413032.1, NM_001413041.1, NM_001413027.1 and 1 more transcripts); c.2236G>A, p.Gly746Arg (NM_001413033.1); c.1297G>A, p.Gly433Arg (NM_001413034.1, NM_001413035.1, NM_001413040.1 and 5 more transcripts); c.2368G>A, p.Gly790Arg (NM_001413036.1, NM_001413019.1); c.1165G>A, p.Gly389Arg (NM_001413037.1); c.2338G>A, p.Gly780Arg (NM_001413039.1); c.1267G>A, p.Gly423Arg (NM_001413042.1); c.2272G>A, p.Gly758Arg (NM_001413020.1); and 5 more; short protein forms G367R, G423R, G747R, G780R, G389R, G790R, G411R, G746R.
Identifiers: ClinVar variation 2199678 (VCV002199678.5), dbSNP rs762402665, ClinGen allele CA4948317.